The following is an entry in ClinVar:

NM_024334.3(TMEM43):c.268_270del (p.His90del)

Gene: TMEM43 (transmembrane protein 43; plus strand). Cytogenetic location: 3p25.1.
Variant type: Deletion.
Coding change: c.268_270del on transcript NM_024334.3 (MANE Select); coding-DNA positions 268 to 270, 3 bases deleted (CAC; older notation c.268_270delCAC).
Protein change: p.His90del; deletes histidine 90.
Genome position (GRCh38, 1-based): chr3:14,130,927-14,130,929, CAC deleted. VCF-style (leftmost placement, unchanged base first): chr3-14130926-GCAC-G. GRCh37 (hg19) VCF-style: chr3-14172426-GCAC-G.
Other names: c.268_270del, p.His90del (NM_001407274.1, NM_001407275.1, NM_001407276.1 and 2 more transcripts); c.253_255del, p.His85del (NM_001407278.1); c.118_120del, p.His40del (NM_001407280.1); short protein forms H40del, H85del, H90del.
Identifiers: ClinVar variation 3894222 (VCV003894222.1).

ClinVar aggregate classification (germline): Uncertain significance (1 of 4 stars; one submission).

Conditions:
Cardiomyopathy (CMYO). Also called: Cardiomyopathies. Identifiers: Orphanet 167848, MedGen C0878544, MONDO:0004994, HP:0001638. Inheritance: Various modes of inheritance.

Submission:

Color Diagnostics, LLC DBA Color Health
Classification: Uncertain significance for Cardiomyopathy. Last evaluated: 2025-02-10. Review status: criteria provided, single submitter. Criteria: ACMG Guidelines, 2015. Collection method: clinical testing. Allele origin: germline.
Comment: This variant causes an in-frame deletion of one amino acid at codon 90 of the TMEM43 protein. To our knowledge, functional studies have not been reported for this variant. This variant has not been reported in individuals affected with TMEM43-related disorders in the literature. This variant has been identified in 1/250168 chromosomes in the general population by the Genome Aggregation Database (gnomAD). The available evidence is insufficient to determine the role of this variant in disease conclusively. Therefore, this variant is classified as a Variant of Uncertain Significance.